The following is an entry in ClinVar:

GRCh37/hg19 Xp22.33-22.31(chrX:4125420-8865787)x0

Genes: ANOS1 (anosmin 1; minus strand), FAM9A (family with sequence similarity 9 member A; minus strand), NLGN4X (neuroligin 4 X-linked; minus strand), PNPLA4 (patatin like domain 4, phospholipase and triacylglycerol lipase; minus strand), PUDP (pseudouridine 5'-phosphatase; minus strand) and 5 more. Cytogenetic location: Xp22.33-22.31.
Variant type: copy number loss.
Change: copy number 0 of chrX:4,125,420-8,865,787 (4.74 Mb, GRCh37 coordinates, 1-based), cytogenetic band Xp22.33-22.31.
Identifiers: ClinVar variation 4683016 (VCV004683016.1).

ClinVar aggregate classification (germline): Pathogenic (1 of 4 stars; one submission).

Submission:

Quest Diagnostics Nichols Institute San Juan Capistrano
Classification: Pathogenic. Last evaluated: 2024-07-29. Review status: criteria provided, single submitter. Criteria: ACMG/ClinGen CNV Guidelines, 2019. Collection method: clinical testing. Allele origin: unknown.
Comment: Hemizygous deletions either similar to or contained within this interval have been reported in individuals with variable phenotypes (Guo 2017, Isrie 2012, Macarov 2007, Mochel 2008, Nagai 2017, Wu 2023). Haploinsufficiency of STS is associated with X-linked ichthyosis (XLI; OMIM 308100; HGNC:11425, ISCA:37417; Gubb 2020, Kent 2008, Myers 2020). In addition, complete loss of ANOS1 is associated with hypogonadotropic hypogonadism-1 with or without anosmia (HH1; OMIM 308700; HGNC:6211). There are no similar copy number losses of this region in the general populations of the Database of Genomic Variants. Therefore, this copy number variant (CNV) is classified as pathogenic. References: Gubb et al., Hum Mol Genet. 2020 Oct 10;29(17):2872-2881. PMID: 32766777 Guo et al., Sci Rep. 2017 Mar 10:7:44155. PMID: 28281572 Kent et al., J Med Genet. 2008 Aug;45(8):519-24. PMID: 18413370 Macarov et al., J Intellect Disabil Res. 2007 May;51(Pt 5):329-33. PMID: 17391250 Mochel et al., Eur J Med Genet. 2008 Jan-Feb;51(1):68-73. PMID: 18194880 Myers et al., Pediatr Neurol. 2020 Jul;108:113-116. PMID: 32299744 Nagai et al., Cytogenet Genome Res. 2017;151(1):1-4. PMID: 28253503 Wu et al., Front Genet. 2023 Jun 6:14:1025390. PMID: 37347056